The following is an entry in ClinVar:

ClinVar aggregate classification (germline): Uncertain significance (1 of 4 stars; one submission).

Conditions:
Inborn genetic diseases. Identifiers: MedGen C0950123, MeSH D030342.

gnomAD v4.1: 3 of 1,613,612 alleles (0.00019%); highest among the groups gnomAD compares: African/African-American, 0.004%; no homozygotes.

Submission:

Ambry Genetics
Classification: Uncertain significance for Inborn genetic diseases. Last evaluated: 2024-05-27. Review status: criteria provided, single submitter. Criteria: Ambry Variant Classification Scheme 2023. Collection method: clinical testing. Allele origin: germline.
Comment: The p.A470S variant (also known as c.1408G>T), located in coding exon 6 of the ATR gene, results from a G to T substitution at nucleotide position 1408. The alanine at codon 470 is replaced by serine, an amino acid with similar properties. This amino acid position is conserved. In addition, this alteration is predicted to be tolerated by in silico analysis. Based on the available evidence, the clinical significance of this variant remains unclear.

NM_001184.4(ATR):c.1408G>T (p.Ala470Ser)

Gene: ATR (ATR serine/threonine kinase; minus strand). Cytogenetic location: 3q23.
Variant type: single nucleotide variant.
Coding change: c.1408G>T on transcript NM_001184.4 (MANE Select); coding-DNA position 1408, G replaced by T.
Protein change: p.Ala470Ser; replaces alanine 470 with serine.
Molecular consequence: missense variant. On other transcripts: intron variant (1).
Genome position (GRCh38, 1-based): chr3:142,560,396, C>A on the plus strand (G>T on the coding strand, the complement: ATR is on the minus strand). VCF-style: chr3-142560396-C-A. GRCh37 (hg19) VCF-style: chr3-142279238-C-A.
Other names: c.1349+847G>T (NM_001354579.2); short protein forms A470S.
Identifiers: ClinVar variation 3332032 (VCV003332032.1).